The following is an entry in ClinVar:

ClinVar aggregate classification (germline): Uncertain significance (1 of 4 stars; one submission).

gnomAD v4.1: 28 of 1,613,816 alleles (0.0017%); highest among the groups gnomAD compares: South Asian, 0.015%; no homozygotes.

Submission:

Labcorp Genetics (formerly Invitae), Labcorp
Classification: Uncertain significance. Last evaluated: 2024-05-10. Review status: criteria provided, single submitter. Criteria: Invitae Variant Classification Sherloc (09022015). Collection method: clinical testing. Allele origin: germline.
Comment: This sequence change replaces arginine, which is basic and polar, with glutamine, which is neutral and polar, at codon 84 of the RELA protein (p.Arg84Gln). This variant is present in population databases (rs752869747, gnomAD 0.02%). This variant has not been reported in the literature in individuals affected with RELA-related conditions. An algorithm developed to predict the effect of missense changes on protein structure and function (PolyPhen-2) suggests that this variant is likely to be disruptive. In summary, the available evidence is currently insufficient to determine the role of this variant in disease. Therefore, it has been classified as a Variant of Uncertain Significance.

NM_021975.4(RELA):c.251G>A (p.Arg84Gln)

Gene: RELA (RELA proto-oncogene, NF-kB subunit; minus strand). Cytogenetic location: 11q13.1.
Variant type: single nucleotide variant.
Coding change: c.251G>A on transcript NM_021975.4 (MANE Select); coding-DNA position 251, G replaced by A.
Protein change: p.Arg84Gln; replaces arginine 84 with glutamine.
Molecular consequence: missense variant. On other transcripts: 5 prime UTR variant (1).
Genome position (GRCh38, 1-based): chr11:65,661,771, C>T on the plus strand (G>A on the coding strand, the complement: RELA is on the minus strand). VCF-style: chr11-65661771-C-T. GRCh37 (hg19) VCF-style: chr11-65429242-C-T.
Other names: c.251G>A, p.Arg84Gln (NM_001145138.2, NM_001243984.2, NM_001243985.2 and 2 more transcripts); c.284G>A, p.Arg95Gln (NM_001404657.1); c.224G>A, p.Arg75Gln (NM_001404658.1); c.-39G>A (NM_001404661.1); c.158G>A, p.Arg53Gln (NM_001404662.1, NM_001404663.1); short protein forms R53Q, R75Q, R84Q, R95Q.
Identifiers: ClinVar variation 3620180 (VCV003620180.1).